The following is an entry in ClinVar:

ClinVar aggregate classification (germline): Uncertain significance (1 of 4 stars; one submission).

gnomAD v4.1: 1 of 1,614,202 alleles (0.000062%); highest among the groups gnomAD compares: African/African-American, 0.0013%; no homozygotes.

Submission:

Labcorp Genetics (formerly Invitae), Labcorp
Classification: Uncertain significance. Last evaluated: 2020-11-21. Review status: criteria provided, single submitter. Criteria: Invitae Variant Classification Sherloc (09022015). Collection method: clinical testing. Allele origin: germline.
Comment: In summary, the available evidence is currently insufficient to determine the role of this variant in disease. Therefore, it has been classified as a Variant of Uncertain Significance. Algorithms developed to predict the effect of missense changes on protein structure and function output the following: SIFT: "Tolerated"; PolyPhen-2: "Benign"; Align-GVGD: "Class C0". The glycine amino acid residue is found in multiple mammalian species, suggesting that this missense change does not adversely affect protein function. These predictions have not been confirmed by published functional studies and their clinical significance is uncertain. This variant has not been reported in the literature in individuals with LIG1-related conditions. This variant is not present in population databases (ExAC no frequency). This sequence change replaces alanine with glycine at codon 224 of the LIG1 protein (p.Ala224Gly). The alanine residue is weakly conserved and there is a small physicochemical difference between alanine and glycine.

NM_000234.3(LIG1):c.671C>G (p.Ala224Gly)

Gene: LIG1 (DNA ligase 1; minus strand). Cytogenetic location: 19q13.33.
Variant type: single nucleotide variant.
Coding change: c.671C>G on transcript NM_000234.3 (MANE Select); coding-DNA position 671, C replaced by G.
Protein change: p.Ala224Gly; replaces alanine 224 with glycine.
Molecular consequence: missense variant. On other transcripts: non-coding transcript variant (6).
Genome position (GRCh38, 1-based): chr19:48,150,114, G>C on the plus strand (C>G on the coding strand, the complement: LIG1 is on the minus strand). VCF-style: chr19-48150114-G-C. GRCh37 (hg19) VCF-style: chr19-48653371-G-C.
Other names: c.578C>G, p.Ala193Gly (NM_001289063.2); c.467C>G, p.Ala156Gly (NM_001289064.2); c.668C>G, p.Ala223Gly (NM_001320970.2); c.581C>G, p.Ala194Gly (NM_001320971.2); short protein forms A193G, A156G, A224G, A194G, A223G.
Identifiers: ClinVar variation 1487417 (VCV001487417.8), dbSNP rs1384960750, ClinGen allele CA406654821.
Genomic context (GRCh38, chr19:48,150,114, plus strand): 5'-ACCCCGGGAGGTGGGGTGAGCAAGGGAAACTCACTGAAGAAGCTGCTGAGCGTCTTGGGA[G>C]CTCTGCGGGGAGGCTTGGTCTGCTCTTCCTCCTCCTGCAGTTCCTGCTTCGTGGCCACCT-3'
Protein context (NP_000225.1, residues 214-234): EEEQTKPPRR[Ala224Gly]PKTLSSFFTP